The following is an entry in ClinVar:

NM_001276270.2(MBD4):c.260C>T (p.Pro87Leu)

Gene: MBD4 (methyl-CpG binding domain 4, DNA glycosylase; minus strand). Cytogenetic location: 3q21.3.
Variant type: single nucleotide variant.
Coding change: c.260C>T on transcript NM_001276270.2 (MANE Select); coding-DNA position 260, C replaced by T.
Protein change: p.Pro87Leu; replaces proline 87 with leucine.
Molecular consequence: missense variant. On other transcripts: intron variant (1).
Genome position (GRCh38, 1-based): chr3:129,437,795, G>A on the plus strand (C>T on the coding strand, the complement: MBD4 is on the minus strand). VCF-style: chr3-129437795-G-A. GRCh37 (hg19) VCF-style: chr3-129156638-G-A.
Other names: c.260C>T, p.Pro87Leu (NM_001276271.2, NM_001276272.2, NM_003925.3); c.247+13C>T (NM_001276273.2); short protein forms P87L.
Identifiers: ClinVar variation 2710781 (VCV002710781.4), dbSNP rs376478810, ClinGen allele CA2605569.

ClinVar aggregate classification (germline): Uncertain significance. Review status: criteria provided, multiple submitters, no conflicts (2 of 4 stars). 2 submissions from 2 submitters: Uncertain significance (2). Last evaluated 2025-12-23.

Conditions:
Inborn genetic diseases. Identifiers: MedGen C0950123, MeSH D030342.

Allele frequency attached by ClinVar (database versions not stated): ExAC 0.00001; ESP Exome Variant Server 0.00008.

Submissions (2):

Labcorp Genetics (formerly Invitae), Labcorp
Classification: Uncertain significance. Last evaluated: 2025-12-23. Review status: criteria provided, single submitter. Criteria: Invitae Variant Classification Sherloc (09022015). Collection method: clinical testing. Allele origin: germline.
Comment: This sequence change replaces proline, which is neutral and non-polar, with leucine, which is neutral and non-polar, at codon 87 of the MBD4 protein (p.Pro87Leu). This variant is present in population databases (rs376478810, gnomAD 0.007%). This variant has not been reported in the literature in individuals affected with MBD4-related conditions. ClinVar contains an entry for this variant (Variation ID: 2710781). An algorithm developed to predict the effect of missense changes on protein structure and function outputs the following: PolyPhen-2: "Benign". The leucine amino acid residue is found in multiple mammalian species, which suggests that this missense change does not adversely affect protein function. In summary, the available evidence is currently insufficient to determine the role of this variant in disease. Therefore, it has been classified as a Variant of Uncertain Significance.

Ambry Genetics
Classification: Uncertain significance for Inborn genetic diseases. Last evaluated: 2025-03-14. Review status: criteria provided, single submitter. Criteria: Ambry Variant Classification Scheme 2023. Collection method: clinical testing. Allele origin: germline.
Comment: The p.P87L variant (also known as c.260C>T), located in coding exon 2 of the MBD4 gene, results from a C to T substitution at nucleotide position 260. The proline at codon 87 is replaced by leucine, an amino acid with similar properties. This amino acid position is conserved. In addition, this alteration is predicted to be deleterious by in silico analysis. Based on the available evidence, the clinical significance of this variant remains unclear.